The following is an entry in ClinVar:

NM_000361.3(THBD):c.842C>T (p.Thr281Ile)

Gene: THBD (thrombomodulin; minus strand). Cytogenetic location: 20p11.21.
Variant type: single nucleotide variant.
Coding change: c.842C>T on transcript NM_000361.3 (MANE Select); coding-DNA position 842, C replaced by T.
Protein change: p.Thr281Ile; replaces threonine 281 with isoleucine.
Molecular consequence: missense variant.
Genome position (GRCh38, 1-based): chr20:23,048,663, G>A on the plus strand (C>T on the coding strand, the complement: THBD is on the minus strand). VCF-style: chr20-23048663-G-A. GRCh37 (hg19) VCF-style: chr20-23029300-G-A.
Other names: short protein forms T281I.
Identifiers: ClinVar variation 2956806 (VCV002956806.3), dbSNP rs540961320, ClinGen allele CA9787687.

ClinVar aggregate classification (germline): Uncertain significance (1 of 4 stars; one submission).

Allele frequency attached by ClinVar (database versions not stated): ExAC 0.00001; gnomAD 0.00001; gnomAD exomes 0.00001; 1000 Genomes Project 30x 0.00031; 1000 Genomes Project 0.00040.
gnomAD v4.1: 5 of 1,589,792 alleles (0.00031%); highest among the groups gnomAD compares: South Asian, 0.0055%; no homozygotes.

Submission:

Labcorp Genetics (formerly Invitae), Labcorp
Classification: Uncertain significance. Last evaluated: 2024-04-08. Review status: criteria provided, single submitter. Criteria: Invitae Variant Classification Sherloc (09022015). Collection method: clinical testing. Allele origin: germline.
Comment: This sequence change replaces threonine, which is neutral and polar, with isoleucine, which is neutral and non-polar, at codon 281 of the THBD protein (p.Thr281Ile). The frequency data for this variant in the population databases is considered unreliable, as metrics indicate poor data quality at this position in the gnomAD database. This variant has not been reported in the literature in individuals affected with THBD-related conditions. Advanced modeling of protein sequence and biophysical properties (such as structural, functional, and spatial information, amino acid conservation, physicochemical variation, residue mobility, and thermodynamic stability) performed at Invitae indicates that this missense variant is not expected to disrupt THBD protein function with a negative predictive value of 80%. In summary, the available evidence is currently insufficient to determine the role of this variant in disease. Therefore, it has been classified as a Variant of Uncertain Significance.